The following is an entry in ClinVar:

NM_000297.4(PKD2):c.2388A>T (p.Leu796Phe)

Gene: PKD2 (polycystin 2, transient receptor potential cation channel; plus strand). Cytogenetic location: 4q22.1.
Variant type: single nucleotide variant.
Coding change: c.2388A>T on transcript NM_000297.4 (MANE Select); coding-DNA position 2388, A replaced by T.
Protein change: p.Leu796Phe; replaces leucine 796 with phenylalanine.
Molecular consequence: missense variant. On other transcripts: non-coding transcript variant (1).
Genome position (GRCh38, 1-based): chr4:88,067,927, A>T. VCF-style: chr4-88067927-A-T. GRCh37 (hg19) VCF-style: chr4-88989079-A-T.
Other names: short protein forms L796F.
Identifiers: ClinVar variation 2890930 (VCV002890930.3), dbSNP rs535577967, ClinGen allele CA357626607.

ClinVar aggregate classification (germline): Uncertain significance (1 of 4 stars; one submission).

Conditions:
Autosomal dominant polycystic kidney disease. Identifiers: Orphanet 730, MedGen C0085413, MONDO:0004691.

Submission:

Labcorp Genetics (formerly Invitae), Labcorp
Classification: Uncertain significance for Autosomal dominant polycystic kidney disease. Last evaluated: 2023-08-30. Review status: criteria provided, single submitter. Criteria: Invitae Variant Classification Sherloc (09022015). Collection method: clinical testing. Allele origin: germline.
Comment: This sequence change replaces leucine, which is neutral and non-polar, with phenylalanine, which is neutral and non-polar, at codon 796 of the PKD2 protein (p.Leu796Phe). This variant is not present in population databases (gnomAD no frequency). This variant has not been reported in the literature in individuals affected with PKD2-related conditions. Advanced modeling of protein sequence and biophysical properties (such as structural, functional, and spatial information, amino acid conservation, physicochemical variation, residue mobility, and thermodynamic stability) performed at Invitae indicates that this missense variant is not expected to disrupt PKD2 protein function. In summary, the available evidence is currently insufficient to determine the role of this variant in disease. Therefore, it has been classified as a Variant of Uncertain Significance.